The following is an entry in ClinVar:

ClinVar aggregate classification (germline): Uncertain significance (0 of 4 stars; one submission).

Conditions:
BPTF-related disorder. Also called: BPTF-related condition.

Submission:

PreventionGenetics, part of Exact Sciences
Classification: Uncertain significance for BPTF-related condition. Last evaluated: 2024-08-16. Review status: no assertion criteria provided. Collection method: clinical testing. Allele origin: germline.
Comment: The BPTF c.6559A>G variant is predicted to result in the amino acid substitution p.Thr2187Ala. To our knowledge, this variant has not been reported in the literature or in a large population database, indicating this variant is rare. At this time, the clinical significance of this variant is uncertain due to the absence of conclusive functional and genetic evidence.

NM_182641.4(BPTF):c.6559A>G (p.Thr2187Ala)

Gene: BPTF (bromodomain PHD finger transcription factor; plus strand). Cytogenetic location: 17q24.2.
Variant type: single nucleotide variant.
Coding change: c.6559A>G on transcript NM_182641.4 (MANE Select); coding-DNA position 6559, A replaced by G.
Protein change: p.Thr2187Ala; replaces threonine 2187 with alanine.
Molecular consequence: missense variant.
Genome position (GRCh38, 1-based): chr17:67,944,231, A>G. VCF-style: chr17-67944231-A-G. GRCh37 (hg19) VCF-style: chr17-65940347-A-G.
Other names: c.6937A>G, p.Thr2313Ala (NM_004459.7); short protein forms T2187A, T2313A.
Identifiers: ClinVar variation 3349036 (VCV003349036.1).